The following is an entry in ClinVar:

NM_001368397.1(FRMPD4):c.2820C>T (p.His940=)

Gene: FRMPD4 (FERM and PDZ domain containing 4; plus strand). Cytogenetic location: Xp22.2.
Variant type: single nucleotide variant.
Coding change: c.2820C>T on transcript NM_001368397.1 (MANE Select); coding-DNA position 2820, C replaced by T.
Protein change: p.His940=; no amino-acid change (histidine 940 retained).
Molecular consequence: synonymous variant.
Genome position (GRCh38, 1-based): chrX:12,717,646, C>T. VCF-style: chrX-12717646-C-T. GRCh37 (hg19) VCF-style: chrX-12735765-C-T.
Other names: c.2931C>T, p.His977= (NM_001368395.3, NM_001368398.3); c.2826C>T, p.His942= (NM_001368396.3); c.2811C>T, p.His937= (NM_001368399.3); c.2700C>T, p.His900= (NM_001368400.3); c.2796C>T, p.His932= (NM_001368401.1, NM_001368402.3); c.2820C>T, p.His940= (NM_014728.3).
Identifiers: ClinVar variation 3046588 (VCV003046588.2), dbSNP rs765472737, ClinGen allele CA10349520.

ClinVar aggregate classification (germline): Likely benign (0 of 4 stars; one submission).

Conditions:
FRMPD4-related disorder. Also called: FRMPD4-related condition.

Allele frequency attached by ClinVar (database versions not stated): ExAC 0.00002; gnomAD 0.00005; gnomAD exomes 0.00006; TOPMed 0.00006.
gnomAD v4.1: 76 of 1,209,398 alleles (0.0063%); highest among the groups gnomAD compares: Non-Finnish European, 0.0082%; no homozygotes.

Submission:

PreventionGenetics, part of Exact Sciences
Classification: Likely benign for FRMPD4-related condition. Last evaluated: 2019-03-07. Review status: no assertion criteria provided. Collection method: clinical testing. Allele origin: germline.
Comment: This variant is classified as likely benign based on ACMG/AMP sequence variant interpretation guidelines (Richards et al. 2015 PMID: 25741868, with internal and published modifications).